The following is an entry in ClinVar:

NM_012293.3(PXDN):c.2854G>T (p.Ala952Ser)

Gene: PXDN (peroxidasin; minus strand). Cytogenetic location: 2p25.3.
Variant type: single nucleotide variant.
Coding change: c.2854G>T on transcript NM_012293.3 (MANE Select); coding-DNA position 2854, G replaced by T.
Protein change: p.Ala952Ser; replaces alanine 952 with serine.
Molecular consequence: missense variant.
Genome position (GRCh38, 1-based): chr2:1,648,926, C>A on the plus strand (G>T on the coding strand, the complement: PXDN is on the minus strand). VCF-style: chr2-1648926-C-A. GRCh37 (hg19) VCF-style: chr2-1652698-C-A.
Other names: short protein forms A952S.
Identifiers: ClinVar variation 2184675 (VCV002184675.4), dbSNP rs764877735, ClinGen allele CA1512867.

ClinVar aggregate classification (germline): Uncertain significance (1 of 4 stars; one submission).

Conditions:
Anterior segment dysgenesis 7 (ASGD7). Also called: SCLEROCORNEA WITH OTHER OCULAR ANOMALIES; Anterior segment dysgenesis 7, with sclerocornea. Identifiers: Orphanet 289499, MedGen C3151617, MONDO:0010015, OMIM 269400.

Allele frequency attached by ClinVar (database versions not stated): ExAC 0.00001.
gnomAD v4.1: 14 of 1,603,346 alleles (0.00087%); highest among the groups gnomAD compares: Admixed American, 0.0017%; no homozygotes.

Submission:

Labcorp Genetics (formerly Invitae), Labcorp
Classification: Uncertain significance for Anterior segment dysgenesis 7. Last evaluated: 2022-11-24. Review status: criteria provided, single submitter. Criteria: Invitae Variant Classification Sherloc (09022015). Collection method: clinical testing. Allele origin: germline.
Comment: In summary, the available evidence is currently insufficient to determine the role of this variant in disease. Therefore, it has been classified as a Variant of Uncertain Significance. Advanced modeling of protein sequence and biophysical properties (such as structural, functional, and spatial information, amino acid conservation, physicochemical variation, residue mobility, and thermodynamic stability) performed at Invitae indicates that this missense variant is not expected to disrupt PXDN protein function. This variant has not been reported in the literature in individuals affected with PXDN-related conditions. This variant is present in population databases (rs764877735, gnomAD 0.001%). This sequence change replaces alanine, which is neutral and non-polar, with serine, which is neutral and polar, at codon 952 of the PXDN protein (p.Ala952Ser).